The following is an entry in ClinVar:

NM_001001888.4(VCX3B):c.504C>T (p.Ser168=)

Gene: VCX3B (variable charge X-linked 3B; plus strand). Cytogenetic location: Xp22.31.
Variant type: single nucleotide variant.
Coding change: c.504C>T on transcript NM_001001888.4 (MANE Select); coding-DNA position 504, C replaced by T.
Protein change: p.Ser168=; no amino-acid change (serine 168 retained).
Molecular consequence: synonymous variant.
Genome position (GRCh38, 1-based): chrX:8,466,146, C>T. VCF-style: chrX-8466146-C-T. GRCh37 (hg19) VCF-style: chrX-8434187-C-T.
Identifiers: ClinVar variation 2659936 (VCV002659936.24), dbSNP rs368304477, ClinGen allele CA10343320.
Genomic context (GRCh38, chrX:8,466,146, plus strand): 5'-CCAGGTGGAGGAACCACTGAGTCAGGAGAGCGAGGTGGAGGAACCACTGAGTCAGGAGAG[C>T]GAGGTGGAAGAACCACTGAGTCAGGAGAGCCAGGTGGAGGAACCACTGAGTCAGGAGAGC-3'
Protein context (NP_001001888.3, residues 158-178): SEVEEPLSQE[Ser168=]EVEEPLSQES

ClinVar aggregate classification (germline): Likely benign (1 of 4 stars; one submission).

Allele frequency attached by ClinVar (database versions not stated): gnomAD 0.00002; gnomAD exomes 0.00003; ExAC 0.00008; ESP Exome Variant Server 0.00045.

Submission:

CeGaT Center for Human Genetics Tuebingen
Classification: Likely benign. Last evaluated: 2023-02-01. Review status: criteria provided, single submitter. Criteria: CeGaT Center For Human Genetics Tuebingen Variant Classification Criteria Version 2. Collection method: clinical testing. Allele origin: germline. Affected: yes. Observed: 1 variant allele.
Comment: VCX3B: BP4, BP7